The following is an entry in ClinVar:

NM_001379451.1(BCORL1):c.5351A>G (p.Asn1784Ser)

Gene: BCORL1 (BCL6 corepressor like 1; plus strand). Cytogenetic location: Xq26.1.
Variant type: single nucleotide variant.
Coding change: c.5351A>G on transcript NM_001379451.1 (MANE Select); coding-DNA position 5351, A replaced by G.
Protein change: p.Asn1784Ser; replaces asparagine 1784 with serine.
Molecular consequence: missense variant.
Genome position (GRCh38, 1-based): chrX:130,056,129, A>G. VCF-style: chrX-130056129-A-G. GRCh37 (hg19) VCF-style: chrX-129190104-A-G.
Other names: c.5351A>G, p.Asn1784Ser (NM_001184772.3, NM_001379450.1); c.5129A>G, p.Asn1710Ser (NM_021946.5); short protein forms N1710S, N1784S.
Identifiers: ClinVar variation 3391721 (VCV003391721.3).

ClinVar aggregate classification (germline): Uncertain significance (1 of 4 stars; one submission).

gnomAD v4.1: 4 of 1,165,673 alleles (0.00034%); highest among the groups gnomAD compares: African/African-American, 0.0072%; no homozygotes.

Submission:

GeneDx
Classification: Uncertain significance. Last evaluated: 2026-10-13. Review status: criteria provided, single submitter. Criteria: GeneDx Variant Classification Process June 2021. Collection method: clinical testing. Allele origin: germline.
Comment: Not observed at significant frequency in large population cohorts (gnomAD); In silico analysis suggests that this missense variant does not alter protein structure/function; Has not been previously published as pathogenic or benign to our knowledge